The following is an entry in ClinVar:

GRCh38/hg38 Xp21.1(chrX:31613037-31846776)x1

Genes: DMD (dystrophin; minus strand), LOC129391296 (MPRA-validated peak7373 silencer; plus strand). Cytogenetic location: Xp21.1.
Variant type: copy number loss.
Change: copy number 1 of chrX:31,613,037-31,846,776 (233.7 kb, GRCh38 coordinates, 1-based), cytogenetic band Xp21.1.
Identifiers: ClinVar variation 148358 (VCV000148358.3).

ClinVar aggregate classification (germline): Likely benign (0 of 4 stars; one submission).

Submission:

ISCA site 1
Classification: Likely benign. Last evaluated: 2018-02-09. Review status: no assertion criteria provided. Collection method: clinical testing. Allele origin: unknown. Affected: yes. Observed: 1 variant allele.
Comment: Copy number variation identified through the course of routine clinical cytogenomic testing in postnatal populations, with clinical assertions as classified by the original submitter. For data from the original published study, Kaminsky, et al. 2011 (PubMed 21844811), please see nstd101.